The following is an entry in ClinVar:

ClinVar aggregate classification (germline): Uncertain significance (1 of 4 stars; one submission).

gnomAD v4.1: 30 of 1,613,442 alleles (0.0019%); highest among the groups gnomAD compares: South Asian, 0.0033%; no homozygotes.

Submission:

Ambry Genetics
Classification: Uncertain significance. Last evaluated: 2025-12-30. Review status: criteria provided, single submitter. Criteria: Ambry Variant Classification Scheme 2023. Collection method: clinical testing. Allele origin: germline.
Comment: The c.2426C>T (p.T809M) alteration is located in exon 15 (coding exon 15) of the DSC3 gene. This alteration results from a C to T substitution at nucleotide position 2426, causing the threonine (T) at amino acid position 809 to be replaced by a methionine (M). Based on data from gnomAD, the T allele has an overall frequency of 0.003% (7/251408) total alleles studied. The highest observed frequency was 0.016% (1/6134) of Other alleles. Based on insufficient or conflicting evidence, the clinical significance of this alteration remains unclear.

NM_001941.5(DSC3):c.2426C>T (p.Thr809Met)

Gene: DSC3 (desmocollin 3; minus strand). Cytogenetic location: 18q12.1.
Variant type: single nucleotide variant.
Coding change: c.2426C>T on transcript NM_001941.5 (MANE Select); coding-DNA position 2426, C replaced by T.
Protein change: p.Thr809Met; replaces threonine 809 with methionine.
Molecular consequence: missense variant.
Genome position (GRCh38, 1-based): chr18:30,996,858, G>A on the plus strand (C>T on the coding strand, the complement: DSC3 is on the minus strand). VCF-style: chr18-30996858-G-A. GRCh37 (hg19) VCF-style: chr18-28576824-G-A.
Other names: c.2426C>T, p.Thr809Met (NM_024423.4); short protein forms T809M.
Identifiers: ClinVar variation 4829853 (VCV004829853.1).